The following is an entry in ClinVar:

ClinVar aggregate classification (germline): Uncertain significance. Review status: criteria provided, single submitter (1 of 4 stars). 2 submissions from 2 submitters: Uncertain significance (1). 1 of the submissions does not count toward it. Last evaluated 2025-08-22.

Conditions:
Achondrogenesis, type IB (ACG1B). Also called: Achondrogenesis Type 1B. Identifiers: Orphanet 932, Orphanet 93298, MedGen C0265274, MONDO:0010966, OMIM 600972.
Atelosteogenesis type II (AO2). Also called: NEONATAL OSSEOUS DYSPLASIA I; Neonatal osseous dysplasia 1; SLC26A2-Related Atelosteogenesis. Identifiers: Orphanet 56304, MedGen C1850554, MONDO:0009727, OMIM 256050.
Diastrophic dysplasia (DTD). Also called: Diastrophic dwarfism. Identifiers: Orphanet 628, MedGen C0220726, MONDO:0009107, OMIM 222600.
Multiple epiphyseal dysplasia type 4 (EDM4). Also called: Multiple Epiphyseal Dysplasia, Recessive; MULTIPLE EPIPHYSEAL DYSPLASIA WITH BILAYERED PATELLAE; MULTIPLE EPIPHYSEAL DYSPLASIA WITH CLUBFOOT; MULTIPLE EPIPHYSEAL DYSPLASIA, AUTOSOMAL RECESSIVE; SLC26A2-Related Multiple Epiphyseal Dysplasia. Identifiers: Orphanet 93307, MedGen C1847593, MONDO:0009189, OMIM 226900.

gnomAD v4.1: 1 of 1,613,712 alleles (0.000062%); highest among the groups gnomAD compares: South Asian, 0.0011%; no homozygotes.

Submissions (2):

Labcorp Genetics (formerly Invitae), Labcorp
Classification: Uncertain significance for Atelosteogenesis type II; Multiple epiphyseal dysplasia type 4; Achondrogenesis, type IB; Diastrophic dysplasia. Last evaluated: 2025-08-22. Review status: criteria provided, single submitter. Criteria: Invitae Variant Classification Sherloc (09022015). Collection method: clinical testing. Allele origin: germline.
Comment: This sequence change replaces glutamic acid, which is acidic and polar, with glycine, which is neutral and non-polar, at codon 7 of the SLC26A2 protein (p.Glu7Gly). This variant is present in population databases (no rsID available, gnomAD 0.003%). This variant has not been reported in the literature in individuals affected with SLC26A2-related conditions. Invitae Evidence Modeling of protein sequence and biophysical properties (such as structural, functional, and spatial information, amino acid conservation, physicochemical variation, residue mobility, and thermodynamic stability) indicates that this missense variant is not expected to disrupt SLC26A2 protein function with a negative predictive value of 80%. In summary, the available evidence is currently insufficient to determine the role of this variant in disease. Therefore, it has been classified as a Variant of Uncertain Significance.

Natera, Inc.
Classification: Uncertain significance for Achondrogenesis type IB. Last evaluated: 2025-03-24. Review status: no assertion criteria provided. Collection method: clinical testing. Allele origin: germline. Not counted in ClinVar's aggregate classification.

NM_000112.4(SLC26A2):c.20A>G (p.Glu7Gly)

Gene: SLC26A2 (solute carrier family 26 member 2; plus strand). Cytogenetic location: 5q32.
Variant type: single nucleotide variant.
Coding change: c.20A>G on transcript NM_000112.4 (MANE Select); coding-DNA position 20, A replaced by G.
Protein change: p.Glu7Gly; replaces glutamic acid 7 with glycine.
Molecular consequence: missense variant.
Genome position (GRCh38, 1-based): chr5:149,977,672, A>G. VCF-style: chr5-149977672-A-G. GRCh37 (hg19) VCF-style: chr5-149357235-A-G.
Other names: short protein forms E7G.
Identifiers: ClinVar variation 4061622 (VCV004061622.2).